The following is an entry in ClinVar:

ClinVar aggregate classification (germline): Uncertain significance (1 of 4 stars; one submission).

gnomAD v4.1: 5 of 1,613,494 alleles (0.00031%); highest among the groups gnomAD compares: Non-Finnish European, 0.00042%; no homozygotes.

Submission:

Labcorp Genetics (formerly Invitae), Labcorp
Classification: Uncertain significance. Last evaluated: 2025-03-16. Review status: criteria provided, single submitter. Criteria: Invitae Variant Classification Sherloc (09022015). Collection method: clinical testing. Allele origin: germline.
Comment: This sequence change replaces alanine, which is neutral and non-polar, with serine, which is neutral and polar, at codon 259 of the SETD5 protein (p.Ala259Ser). This variant is present in population databases (rs367686844, gnomAD 0.002%). This variant has not been reported in the literature in individuals affected with SETD5-related conditions. Invitae Evidence Modeling of protein sequence and biophysical properties (such as structural, functional, and spatial information, amino acid conservation, physicochemical variation, residue mobility, and thermodynamic stability) indicates that this missense variant is not expected to disrupt SETD5 protein function with a negative predictive value of 80%. In summary, the available evidence is currently insufficient to determine the role of this variant in disease. Therefore, it has been classified as a Variant of Uncertain Significance.

NM_001080517.3(SETD5):c.775G>T (p.Ala259Ser)

Gene: SETD5 (SET domain containing 5; plus strand). Cytogenetic location: 3p25.3.
Variant type: single nucleotide variant.
Coding change: c.775G>T on transcript NM_001080517.3 (MANE Select); coding-DNA position 775, G replaced by T.
Protein change: p.Ala259Ser; replaces alanine 259 with serine.
Molecular consequence: missense variant.
Genome position (GRCh38, 1-based): chr3:9,440,663, G>T. VCF-style: chr3-9440663-G-T. GRCh37 (hg19) VCF-style: chr3-9482347-G-T.
Other names: c.481G>T, p.Ala161Ser (NM_001292043.2, NM_001349451.2); c.871G>T, p.Ala291Ser (NM_001437633.1); c.832G>T, p.Ala278Ser (NM_001437635.1); c.775G>T, p.Ala259Ser (NM_001437643.1); c.814G>T, p.Ala272Ser (NM_001437701.1); short protein forms A259S, A291S, A272S, A161S, A278S.
Identifiers: ClinVar variation 4701422 (VCV004701422.1).
Genomic context (GRCh38, chr3:9,440,663, plus strand): 5'-TCTAGCAAGGAATTTGTGGGCAAACCTACTATTTTAGACACTATTAATAAGACTGAATTG[G>T]CCTGTAATAACACAGTTATTGGTTCCCAAATGCAGGTAAGCACCAAAGGGTTGAGGACTC-3'
Protein context (NP_001073986.1, residues 249-269): ILDTINKTEL[Ala259Ser]CNNTVIGSQM